The following is an entry in ClinVar:

NM_001330311.2(DVL1):c.1838G>A (p.Gly613Glu)

Gene: DVL1 (dishevelled segment polarity protein 1; minus strand). Cytogenetic location: 1p36.33.
Variant type: single nucleotide variant.
Coding change: c.1838G>A on transcript NM_001330311.2 (MANE Select); coding-DNA position 1838, G replaced by A.
Protein change: p.Gly613Glu; replaces glycine 613 with glutamic acid.
Molecular consequence: missense variant.
Genome position (GRCh38, 1-based): chr1:1,336,392, C>T on the plus strand (G>A on the coding strand, the complement: DVL1 is on the minus strand). VCF-style: chr1-1336392-C-T. GRCh37 (hg19) VCF-style: chr1-1271772-C-T.
Other names: c.1763G>A, p.Gly588Glu (NM_004421.3); short protein forms G588E, G613E.
Identifiers: ClinVar variation 391198 (VCV000391198.6), dbSNP rs748742257, ClinGen allele CA519812.

ClinVar aggregate classification (germline): Uncertain significance. Review status: criteria provided, multiple submitters, no conflicts (2 of 4 stars). 2 submissions from 2 submitters: Uncertain significance (2). Last evaluated 2024-09-11.

Allele frequency attached by ClinVar (database versions not stated): TOPMed below 0.00001; ExAC 0.00001; gnomAD 0.00001; gnomAD exomes 0.00001.
gnomAD v4.1: 8 of 1,599,108 alleles (0.0005%); highest among the groups gnomAD compares: Non-Finnish European, 0.00059%; no homozygotes.

Submissions (2):

Labcorp Genetics (formerly Invitae), Labcorp
Classification: Uncertain significance. Last evaluated: 2024-09-11. Review status: criteria provided, single submitter. Criteria: Invitae Variant Classification Sherloc (09022015). Collection method: clinical testing. Allele origin: germline.
Comment: This sequence change replaces glycine, which is neutral and non-polar, with glutamic acid, which is acidic and polar, at codon 588 of the DVL1 protein (p.Gly588Glu). The frequency data for this variant in the population databases is considered unreliable, as metrics indicate poor data quality at this position in the gnomAD database. This variant has not been reported in the literature in individuals affected with DVL1-related conditions. ClinVar contains an entry for this variant (Variation ID: 391198). Invitae Evidence Modeling of protein sequence and biophysical properties (such as structural, functional, and spatial information, amino acid conservation, physicochemical variation, residue mobility, and thermodynamic stability) indicates that this missense variant is not expected to disrupt DVL1 protein function with a negative predictive value of 80%. In summary, the available evidence is currently insufficient to determine the role of this variant in disease. Therefore, it has been classified as a Variant of Uncertain Significance.

GeneDx
Classification: Uncertain significance. Last evaluated: 2020-06-15. Review status: criteria provided, single submitter. Criteria: GeneDx Variant Classification Process June 2021. Collection method: clinical testing. Allele origin: germline. Affected: yes.
Comment: In silico analysis supports that this missense variant does not alter protein structure/function; Has not been previously published as pathogenic or benign to our knowledge